The following is an entry in ClinVar:

ClinVar aggregate classification (germline): Benign (1 of 4 stars; one submission).

Conditions:
Hereditary diffuse gastric adenocarcinoma (HDGC). Also called: DIFFUSE GASTRIC AND LOBULAR BREAST CANCER SYNDROME. Identifiers: Orphanet 26106, MedGen C1708349, MONDO:0007648, OMIM 137215.

Submission:

Myriad Genetics, Inc.
Classification: Benign for Hereditary diffuse gastric adenocarcinoma. Last evaluated: 2024-09-20. Review status: criteria provided, single submitter. Criteria: Myriad Autosomal Dominant, Autosomal Recessive and X-Linked Classification Criteria (2023). Collection method: clinical testing. Allele origin: unknown.
Comment: This variant is considered benign. This variant is a silent/synonymous amino acid change and it is not expected to impact splicing.

NM_004360.5(CDH1):c.1851A>G (p.Ala617=)

Gene: CDH1 (cadherin 1; plus strand). Cytogenetic location: 16q22.1.
Variant type: single nucleotide variant.
Coding change: c.1851A>G on transcript NM_004360.5 (MANE Select); coding-DNA position 1851, A replaced by G.
Protein change: p.Ala617=; no amino-acid change (alanine 617 retained).
Molecular consequence: synonymous variant. On other transcripts: 5 prime UTR variant (1).
Genome position (GRCh38, 1-based): chr16:68,822,140, A>G. VCF-style: chr16-68822140-A-G. GRCh37 (hg19) VCF-style: chr16-68856043-A-G.
Other names: c.-115A>G (NM_001317186.2); c.1668A>G, p.Ala556= (NM_001317184.2); c.303A>G, p.Ala101= (NM_001317185.2).
Identifiers: ClinVar variation 3378676 (VCV003378676.1).